The following is an entry in ClinVar:

NM_022834.5(VWA1):c.222T>G (p.Ser74Arg)

Gene: VWA1 (von Willebrand factor A domain containing 1; plus strand). Cytogenetic location: 1p36.33.
Variant type: single nucleotide variant.
Coding change: c.222T>G on transcript NM_022834.5 (MANE Select); coding-DNA position 222, T replaced by G.
Protein change: p.Ser74Arg; replaces serine 74 with arginine.
Molecular consequence: missense variant. On other transcripts: intron variant (1).
Genome position (GRCh38, 1-based): chr1:1,437,075, T>G. VCF-style: chr1-1437075-T-G. GRCh37 (hg19) VCF-style: chr1-1372455-T-G.
Other names: c.74-247T>G (NM_199121.3); short protein forms S74R.
Identifiers: ClinVar variation 4866444 (VCV004866444.1).

ClinVar aggregate classification (germline): Likely pathogenic (1 of 4 stars; one submission).

gnomAD v4.1: 105 of 1,608,556 alleles (0.0065%); highest among the groups gnomAD compares: Non-Finnish European, 0.0087%; no homozygotes.

Submission:

Ambry Genetics
Classification: Likely pathogenic. Last evaluated: 2026-04-07. Review status: criteria provided, single submitter. Criteria: Ambry Variant Classification Scheme 2023. Collection method: clinical testing. Allele origin: germline.
Comment: The c.222T>G (p.S74R) alteration is located in exon 2 (coding exon 2) of the VWA1 gene. This alteration results from a T to G substitution at nucleotide position 222, causing the serine (S) at amino acid position 74 to be replaced by an arginine (R). Based on data from gnomAD, the G allele has an overall frequency of 0.004% (9/246020) total alleles studied. The highest observed frequency was 0.008% (9/110178) of European (non-Finnish) alleles. This variant has been identified in in conjunction with other VWA1 variant(s) in individual(s) with features consistent with VWA1-related motor neuropathy; in at least one instance, the variants were identified in trans (Pagnamenta, 2021). This amino acid position is well conserved in available vertebrate species. Based on internal structural analysis, this variant is anticipated to disrupt a region of known function (Tagliabracci, 2015). This alteration is predicted to be deleterious by in silico analysis. Based on the available evidence, this alteration is classified as likely pathogenic.

Literature cited by the submitters: PubMed 26091039; PubMed 33559681.